The following is an entry in ClinVar:

ClinVar aggregate classification (germline): Uncertain significance. Review status: criteria provided, multiple submitters, no conflicts (2 of 4 stars). 2 submissions from 2 submitters: Uncertain significance (2). Last evaluated 2023-11-20.

Conditions:
Inborn genetic diseases. Identifiers: MedGen C0950123, MeSH D030342.
Hereditary spastic paraplegia 11. Also called: Spastic paraplegia, mental retardation and thin corpus callosum; SPASTIC PARAPLEGIA, AUTOSOMAL RECESSIVE, COMPLICATED, WITH THIN CORPUS CALLOSUM; SPASTIC PARAPLEGIA, AUTOSOMAL RECESSIVE, WITH MENTAL IMPAIRMENT AND THIN CORPUS CALLOSUM; Spastic Paraplegia 11; Nakamura Osame syndrome; Autosomal recessive hereditary spastic paraplegia, mental impairment, and thin corpus callosum. Identifiers: Orphanet 2822, MedGen C1858479, MONDO:0011445, OMIM 604360.

Allele frequency attached by ClinVar (database versions not stated): ExAC 0.00001; gnomAD exomes 0.00001; gnomAD 0.00002; TOPMed 0.00002.
gnomAD v4.1: 21 of 1,613,874 alleles (0.0013%); highest among the groups gnomAD compares: South Asian, 0.0055%; no homozygotes.

Submissions (2):

Ambry Genetics
Classification: Uncertain significance for Inborn genetic diseases. Last evaluated: 2023-11-20. Review status: criteria provided, single submitter. Criteria: Ambry Variant Classification Scheme 2023. Collection method: clinical testing. Allele origin: germline.

Labcorp Genetics (formerly Invitae), Labcorp
Classification: Uncertain significance for Hereditary spastic paraplegia 11. Last evaluated: 2022-07-12. Review status: criteria provided, single submitter. Criteria: Invitae Variant Classification Sherloc (09022015). Collection method: clinical testing. Allele origin: germline.
Comment: This sequence change replaces arginine, which is basic and polar, with cysteine, which is neutral and slightly polar, at codon 2093 of the SPG11 protein (p.Arg2093Cys). This variant is present in population databases (rs772336846, gnomAD 0.008%). This variant has not been reported in the literature in individuals affected with SPG11-related conditions. ClinVar contains an entry for this variant (Variation ID: 1513014). Algorithms developed to predict the effect of missense changes on protein structure and function are either unavailable or do not agree on the potential impact of this missense change (SIFT: "Deleterious"; PolyPhen-2: "Probably Damaging"; Align-GVGD: "Class C15"). In summary, the available evidence is currently insufficient to determine the role of this variant in disease. Therefore, it has been classified as a Variant of Uncertain Significance.

NM_025137.4(SPG11):c.6277C>T (p.Arg2093Cys)

Gene: SPG11 (SPG11 vesicle trafficking associated, spatacsin; minus strand). Cytogenetic location: 15q21.1.
Variant type: single nucleotide variant.
Coding change: c.6277C>T on transcript NM_025137.4 (MANE Select); coding-DNA position 6277, C replaced by T.
Protein change: p.Arg2093Cys; replaces arginine 2093 with cysteine.
Molecular consequence: missense variant.
Genome position (GRCh38, 1-based): chr15:44,572,749, G>A on the plus strand (C>T on the coding strand, the complement: SPG11 is on the minus strand). VCF-style: chr15-44572749-G-A. GRCh37 (hg19) VCF-style: chr15-44864947-G-A.
Other names: c.6277C>T (NM_025137.3); c.5938C>T, p.Arg1980Cys (NM_001160227.2); short protein forms R1980C, R2093C.
Identifiers: ClinVar variation 1513014 (VCV001513014.6), dbSNP rs772336846, ClinGen allele CA7534189.